The following is an entry in ClinVar:

ClinVar aggregate classification (germline): Uncertain significance. Review status: criteria provided, multiple submitters, no conflicts (2 of 4 stars). 3 submissions from 3 submitters: Uncertain significance (3). Last evaluated 2024-09-18.

Conditions:
Cardiovascular phenotype. Identifiers: MedGen CN230736.
Catecholaminergic polymorphic ventricular tachycardia 1. Also called: RYR2-Related Catecholaminergic Polymorphic Ventricular Tachycardia; VENTRICULAR TACHYCARDIA, STRESS-INDUCED POLYMORPHIC 1; VENTRICULAR TACHYCARDIA, CATECHOLAMINERGIC POLYMORPHIC, 1, WITH OR WITHOUT ATRIAL DYSFUNCTION AND/OR DILATED CARDIOMYOPATHY. Identifiers: Orphanet 3286, MedGen C1631597, MONDO:0011484, OMIM 604772.

Submissions (3):

Blueprint Genetics
Classification: Uncertain significance. Last evaluated: 2024-09-18. Review status: criteria provided, single submitter. Criteria: ACMG Guidelines, 2015. Collection method: clinical testing. Allele origin: germline.

Ambry Genetics
Classification: Uncertain significance for Cardiovascular phenotype. Last evaluated: 2024-05-02. Review status: criteria provided, single submitter. Criteria: Ambry Variant Classification Scheme 2023. Collection method: clinical testing. Allele origin: germline.
Comment: The p.E278G variant (also known as c.833A>G), located in coding exon 11 of the RYR2 gene, results from an A to G substitution at nucleotide position 833. The glutamic acid at codon 278 is replaced by glycine, an amino acid with similar properties. This amino acid position is highly conserved in available vertebrate species. In addition, this alteration is predicted to be deleterious by in silico analysis. Based on the available evidence, the clinical significance of this variant remains unclear.

Labcorp Genetics (formerly Invitae), Labcorp
Classification: Uncertain significance for Catecholaminergic polymorphic ventricular tachycardia 1. Last evaluated: 2022-03-11. Review status: criteria provided, single submitter. Criteria: Invitae Variant Classification Sherloc (09022015). Collection method: clinical testing. Allele origin: germline.
Comment: In summary, the available evidence is currently insufficient to determine the role of this variant in disease. Therefore, it has been classified as a Variant of Uncertain Significance. Algorithms developed to predict the effect of sequence changes on RNA splicing suggest that this variant may disrupt the consensus splice site. Advanced modeling of protein sequence and biophysical properties (such as structural, functional, and spatial information, amino acid conservation, physicochemical variation, residue mobility, and thermodynamic stability) performed at Invitae indicates that this missense variant is expected to disrupt RYR2 protein function. This variant has not been reported in the literature in individuals affected with RYR2-related conditions. This variant is not present in population databases (gnomAD no frequency). This sequence change replaces glutamic acid, which is acidic and polar, with glycine, which is neutral and non-polar, at codon 278 of the RYR2 protein (p.Glu278Gly).

NM_001035.3(RYR2):c.833A>G (p.Glu278Gly)

Gene: RYR2 (ryanodine receptor 2; plus strand). Cytogenetic location: 1q43.
Variant type: single nucleotide variant.
Coding change: c.833A>G on transcript NM_001035.3 (MANE Select); coding-DNA position 833, A replaced by G.
Protein change: p.Glu278Gly; replaces glutamic acid 278 with glycine.
Molecular consequence: missense variant.
Genome position (GRCh38, 1-based): chr1:237,417,108, A>G. VCF-style: chr1-237417108-A-G. GRCh37 (hg19) VCF-style: chr1-237580408-A-G.
Other names: c.833A>G (NM_001035.2); short protein forms E278G.
Identifiers: ClinVar variation 2141813 (VCV002141813.6), dbSNP rs2528016395, ClinGen allele CA345383806.
Genomic context (GRCh38, chr1:237,417,108, plus strand): 5'-GAACTGTTCATTATGAAGGTGGCGCTGTGTCTGTTCATGCACGTTCCCTTTGGAGACTAG[A>G]GACGCTAAGAGTTGCGTAAGTAGAACTTCTAAACACAGCCTAATGCACCAAGTGTACCAA-3'
Protein context (NP_001026.2, residues 268-288): SVHARSLWRL[Glu278Gly]TLRVAWSGSH